The following is an entry in ClinVar:

NM_001282531.3(ADNP):c.3122C>T (p.Ser1041Phe)

Gene: ADNP (activity dependent neuroprotector homeobox; minus strand). Cytogenetic location: 20q13.13.
Variant type: single nucleotide variant.
Coding change: c.3122C>T on transcript NM_001282531.3 (MANE Select); coding-DNA position 3122, C replaced by T.
Protein change: p.Ser1041Phe; replaces serine 1041 with phenylalanine.
Molecular consequence: missense variant.
Genome position (GRCh38, 1-based): chr20:50,891,592, G>A on the plus strand (C>T on the coding strand, the complement: ADNP is on the minus strand). VCF-style: chr20-50891592-G-A. GRCh37 (hg19) VCF-style: chr20-49508129-G-A.
Other names: c.3122C>T, p.Ser1041Phe (NM_001282532.2, NM_001347511.2, NM_015339.5 and 1 more transcripts); short protein forms S1041F.
Identifiers: ClinVar variation 2784996 (VCV002784996.3), dbSNP rs2515572868, ClinGen allele CA408967042.
Genomic context (GRCh38, chr20:50,891,592, plus strand): 5'-TGGGGGTTAGATAAGCGCTCATCATTCTCAGATGCATTCTTCCACTGTGACTGGTCCTTA[G>A]ACCAAAACCCTTCAACTTTTCCATAGGAACTATTCTTCCATTTCAACTGCTCTCTGTCAC-3'
Protein context (NP_001269460.1, residues 1031-1051): SSYGKVEGFW[Ser1041Phe]KDQSQWKNAS

ClinVar aggregate classification (germline): Uncertain significance (1 of 4 stars; one submission).

Submission:

Labcorp Genetics (formerly Invitae), Labcorp
Classification: Uncertain significance. Last evaluated: 2023-03-29. Review status: criteria provided, single submitter. Criteria: Invitae Variant Classification Sherloc (09022015). Collection method: clinical testing. Allele origin: germline.
Comment: This sequence change replaces serine, which is neutral and polar, with phenylalanine, which is neutral and non-polar, at codon 1041 of the ADNP protein (p.Ser1041Phe). This variant is not present in population databases (gnomAD no frequency). This variant has not been reported in the literature in individuals affected with ADNP-related conditions. An algorithm developed to predict the effect of missense changes on protein structure and function (PolyPhen-2) suggests that this variant is likely to be tolerated. In summary, the available evidence is currently insufficient to determine the role of this variant in disease. Therefore, it has been classified as a Variant of Uncertain Significance.